The following is an entry in ClinVar:

NM_020166.5(MCCC1):c.-42C>T

Genes: MCCC1 (methylcrotonyl-CoA carboxylase subunit 1; minus strand), LOC129938008 (ATAC-STARR-seq lymphoblastoid active region 20884; plus strand). Cytogenetic location: 3q27.1.
Variant type: single nucleotide variant.
Coding change: c.-42C>T on transcript NM_020166.5 (MANE Select); 42 bases upstream of the start codon, C replaced by T.
Molecular consequence: 5 prime UTR variant. On other transcripts: non-coding transcript variant (1).
Genome position (GRCh38, 1-based): chr3:183,099,482, G>A on the plus strand (C>T on the coding strand, the complement: MCCC1 is on the minus strand). VCF-style: chr3-183099482-G-A. GRCh37 (hg19) VCF-style: chr3-182817270-G-A.
Other names: c.-134C>T (NM_001293273.2); c.-232C>T (NM_001363880.1).
Identifiers: ClinVar variation 391684 (VCV000391684.1), dbSNP rs887059444, ClinGen allele CA16604840.
Genomic context (GRCh38, chr3:183,099,482, plus strand): 5'-CCGCAGAGGCCGCCGCCATGTCCCTGGAGCCCGGCCACTCCGTGACTCCCCAGTACAGAG[G>A]CAGCTGCGTCCCACACGCCAAACCCGTTCCTCCACTACGAAGCCTCGTGACCCCCGCCGG-3'

ClinVar aggregate classification (germline): Likely benign (1 of 4 stars; one submission).

Allele frequency attached by ClinVar (database versions not stated): TOPMed below 0.00001; gnomAD 0.00001; gnomAD exomes 0.00001.
gnomAD v4.1: 17 of 1,570,036 alleles (0.0011%); highest among the groups gnomAD compares: Non-Finnish European, 0.0014%; no homozygotes.

Submission:

GeneDx
Classification: Likely benign. Last evaluated: 2016-12-16. Review status: criteria provided, single submitter. Criteria: GeneDx Variant Classification (06012015). Collection method: clinical testing. Allele origin: germline. Affected: yes.
Comment: This variant is considered likely benign or benign based on one or more of the following criteria: it is a conservative change, it occurs at a poorly conserved position in the protein, it is predicted to be benign by multiple in silico algorithms, and/or has population frequency not consistent with disease.